The following is an entry in ClinVar:

ClinVar aggregate classification (germline): Uncertain significance (1 of 4 stars; one submission).

Allele frequency attached by ClinVar (database versions not stated): gnomAD exomes below 0.00001.
gnomAD v4.1: 1 of 1,613,144 alleles (0.000062%); highest among the groups gnomAD compares: Non-Finnish European, 0.000085%; no homozygotes.

Submission:

GeneDx
Classification: Uncertain significance. Last evaluated: 2022-07-15. Review status: criteria provided, single submitter. Criteria: GeneDx Variant Classification Process June 2021. Collection method: clinical testing. Allele origin: germline. Affected: yes.
Comment: Not observed at significant frequency in large population cohorts (gnomAD); In silico analysis supports that this missense variant has a deleterious effect on protein structure/function; Has not been previously published as pathogenic or benign to our knowledge

NM_006914.4(RORB):c.26C>T (p.Pro9Leu)

Gene: RORB (RAR related orphan receptor B; plus strand). Cytogenetic location: 9q21.13.
Variant type: single nucleotide variant.
Coding change: c.26C>T on transcript NM_006914.4 (MANE Select); coding-DNA position 26, C replaced by T.
Protein change: p.Pro9Leu; replaces proline 9 with leucine.
Molecular consequence: missense variant.
Genome position (GRCh38, 1-based): chr9:74,630,300, C>T. VCF-style: chr9-74630300-C-T. GRCh37 (hg19) VCF-style: chr9-77245216-C-T.
Other names: c.59C>T, p.Pro20Leu (NM_001365023.1); short protein forms P20L, P9L.
Identifiers: ClinVar variation 1878889 (VCV001878889.1), dbSNP rs2489556707, ClinGen allele CA373771904.